The following is an entry in ClinVar:

ClinVar aggregate classification (germline): Uncertain significance (1 of 4 stars; one submission).

Allele frequency attached by ClinVar (database versions not stated): gnomAD exomes below 0.00001.
gnomAD v4.1: 3 of 1,613,684 alleles (0.00019%); highest among the groups gnomAD compares: East Asian, 0.0022%; no homozygotes.

Submission:

CeGaT Center for Human Genetics Tuebingen
Classification: Uncertain significance. Last evaluated: 2022-09-01. Review status: criteria provided, single submitter. Criteria: CeGaT Center For Human Genetics Tuebingen Variant Classification Criteria Version 2. Collection method: clinical testing. Allele origin: germline. Affected: yes. Observed: 1 variant allele.
Comment: TTN: PM2, BP4

NM_001267550.2(TTN):c.24005T>C (p.Val8002Ala)

Gene: TTN (titin; minus strand). Cytogenetic location: 2q31.2.
Variant type: single nucleotide variant.
Coding change: c.24005T>C on transcript NM_001267550.2 (MANE Select); coding-DNA position 24005, T replaced by C.
Protein change: p.Val8002Ala; replaces valine 8002 with alanine.
Molecular consequence: missense variant. On other transcripts: intron variant (3).
Genome position (GRCh38, 1-based): chr2:178,719,385, A>G on the plus strand (T>C on the coding strand, the complement: TTN is on the minus strand). VCF-style: chr2-178719385-A-G. GRCh37 (hg19) VCF-style: chr2-179584112-A-G.
Other names: c.23054T>C, p.Val7685Ala (NM_001256850.1); c.20273T>C, p.Val6758Ala (NM_133378.4); c.13282+18697T>C (NM_003319.4); c.13858+18697T>C (NM_133437.4); c.13657+18697T>C (NM_133432.3); short protein forms V6758A, V7685A, V8002A.
Identifiers: ClinVar variation 2651681 (VCV002651681.24), dbSNP rs2529294823, ClinGen allele CA349503034.
Genomic context (GRCh38, chr2:178,719,385, plus strand): 5'-CCATCCTGAAACCAGCCAACTGAAATCGGGGCTGAGCCAGAGACTCGGCACTCCAAAACA[A>G]CTGAGGCCCCCAGGATGGCATTCACGTCTTTCAGCTTGCGGATGAAGGAAGGAGGCACAA-3'
Protein context (NP_001254479.2, residues 7992-8012): KDVNAILGAS[Val8002Ala]VLECRVSGSA